The following is an entry in ClinVar:

ClinVar aggregate classification (germline): Uncertain significance (1 of 4 stars; one submission).

Conditions:
Inborn genetic diseases. Identifiers: MedGen C0950123, MeSH D030342.

gnomAD v4.1: 1 of 1,588,784 alleles (0.000063%); no homozygotes.

Submission:

Ambry Genetics
Classification: Uncertain significance for Inborn genetic diseases. Last evaluated: 2025-09-27. Review status: criteria provided, single submitter. Criteria: Ambry Variant Classification Scheme 2023. Collection method: clinical testing. Allele origin: germline.
Comment: The p.K3N variant (also known as c.9G>C), located in coding exon 1 of the SAMD9 gene, results from a G to C substitution at nucleotide position 9. The lysine at codon 3 is replaced by asparagine, an amino acid with similar properties. This amino acid position is conserved. In addition, this alteration is predicted to be tolerated by in silico analysis. Based on the available evidence, the clinical significance of this variant remains unclear.

NM_017654.4(SAMD9):c.9G>C (p.Lys3Asn)

Gene: SAMD9 (sterile alpha motif domain containing 9; minus strand). Cytogenetic location: 7q21.2.
Variant type: single nucleotide variant.
Coding change: c.9G>C on transcript NM_017654.4 (MANE Select); coding-DNA position 9, G replaced by C.
Protein change: p.Lys3Asn; replaces lysine 3 with asparagine.
Molecular consequence: missense variant.
Genome position (GRCh38, 1-based): chr7:93,106,089, C>G on the plus strand (G>C on the coding strand, the complement: SAMD9 is on the minus strand). VCF-style: chr7-93106089-C-G. GRCh37 (hg19) VCF-style: chr7-92735402-C-G.
Other names: c.9G>C, p.Lys3Asn (NM_001193307.2); short protein forms K3N.
Identifiers: ClinVar variation 4629833 (VCV004629833.1).